The following is an entry in ClinVar:

NM_177965.4(CFAP418):c.118A>G (p.Ser40Gly)

Genes: CFAP418 (cilia and flagella associated protein 418; minus strand), CFAP418-AS1 (CFAP418 antisense RNA 1; plus strand), LOC130000784 (ATAC-STARR-seq lymphoblastoid active region 27655; plus strand). Cytogenetic location: 8q22.1.
Variant type: single nucleotide variant.
Coding change: c.118A>G on transcript NM_177965.4 (MANE Select); coding-DNA position 118, A replaced by G.
Protein change: p.Ser40Gly; replaces serine 40 with glycine.
Molecular consequence: missense variant.
Genome position (GRCh38, 1-based): chr8:95,269,072, T>C on the plus strand (A>G on the coding strand, the complement: CFAP418 is on the minus strand). VCF-style: chr8-95269072-T-C. GRCh37 (hg19) VCF-style: chr8-96281300-T-C.
Other names: c.118A>G, p.Ser40Gly (NM_001363260.1); short protein forms S40G.
Identifiers: ClinVar variation 837732 (VCV000837732.8), dbSNP rs1197069764, ClinGen allele CA371837804.

ClinVar aggregate classification (germline): Uncertain significance (1 of 4 stars; one submission).

Allele frequency attached by ClinVar (database versions not stated): TOPMed 0.00001; gnomAD exomes below 0.00001.
gnomAD v4.1: 3 of 1,614,176 alleles (0.00019%); highest among the groups gnomAD compares: Admixed American, 0.0017%; no homozygotes.

Submission:

Labcorp Genetics (formerly Invitae), Labcorp
Classification: Uncertain significance. Last evaluated: 2019-11-26. Review status: criteria provided, single submitter. Criteria: Invitae Variant Classification Sherloc (09022015). Collection method: clinical testing. Allele origin: germline.
Comment: In summary, the available evidence is currently insufficient to determine the role of this variant in disease. Therefore, it has been classified as a Variant of Uncertain Significance. Algorithms developed to predict the effect of missense changes on protein structure and function output the following: SIFT: "Tolerated"; PolyPhen-2: "Benign"; Align-GVGD: "Class C0". The glycine amino acid residue is found in multiple mammalian species, suggesting that this missense change does not adversely affect protein function. These predictions have not been confirmed by published functional studies and their clinical significance is uncertain. This variant has not been reported in the literature in individuals with C8orf37-related conditions. This variant is not present in population databases (ExAC no frequency). This sequence change replaces serine with glycine at codon 40 of the C8orf37 protein (p.Ser40Gly). The serine residue is weakly conserved and there is a small physicochemical difference between serine and glycine.